The following is an entry in ClinVar:

NM_001276345.2(TNNT2):c.490-274T>A

Gene: TNNT2 (troponin T2, cardiac type; minus strand). Cytogenetic location: 1q32.1.
Variant type: single nucleotide variant.
Coding change: c.490-274T>A on transcript NM_001276345.2 (MANE Select); 274 bases into the intron before coding-DNA position 490, T replaced by A.
Molecular consequence: intron variant.
Genome position (GRCh38, 1-based): chr1:201,363,680, A>T on the plus strand (T>A on the coding strand, the complement: TNNT2 is on the minus strand). VCF-style: chr1-201363680-A-T. GRCh37 (hg19) VCF-style: chr1-201332808-A-T.
Other names: c.445-274T>A (NM_001001432.3); c.460-274T>A (NM_001001431.3, NM_001001430.3, NM_001276347.2); c.370-274T>A (NM_001276346.2); c.490-274T>A (NM_000364.4).
Identifiers: ClinVar variation 669436 (VCV000669436.2), dbSNP rs11808175, ClinGen allele CA35421889.

ClinVar aggregate classification (germline): Benign. Review status: criteria provided, multiple submitters, no conflicts (2 of 4 stars). 2 submissions from 2 submitters: Benign (2). Last evaluated 2018-06-14.

Allele frequency attached by ClinVar (database versions not stated): gnomAD exomes 0.00359; gnomAD 0.02970 and 0.03170; 1000 Genomes Project 0.03395; TOPMed 0.03421; 1000 Genomes Project 30x 0.03467.
gnomAD v4.1: 5,674 of 469,432 alleles (1.2%); highest among the groups gnomAD compares: African/African-American, 10%; 256 homozygotes.

Submissions (2):

GeneDx
Classification: Benign. Last evaluated: 2018-06-14. Review status: criteria provided, single submitter. Criteria: GeneDx Variant Classification (06012015). Collection method: clinical testing. Allele origin: germline. Affected: yes.
Comment: This variant is considered likely benign or benign based on one or more of the following criteria: it is a conservative change, it occurs at a poorly conserved position in the protein, it is predicted to be benign by multiple in silico algorithms, and/or has population frequency not consistent with disease.

Breakthrough Genomics
Classification: Benign. Review status: criteria provided, single submitter. Criteria: ACMG Guidelines, 2015. Collection method: not provided. Allele origin: germline. Inheritance: Autosomal dominant inheritance. Affected: yes.